The following is an entry in ClinVar:

ClinVar aggregate classification (germline): Likely benign (1 of 4 stars; one submission).

Allele frequency attached by ClinVar (database versions not stated): 1000 Genomes Project 0.00080; 1000 Genomes Project 30x 0.00141; TOPMed 0.00460; gnomAD 0.00489.

Submission:

CeGaT Center for Human Genetics Tuebingen
Classification: Likely benign. Last evaluated: 2026-09-01. Review status: criteria provided, single submitter. Criteria: CeGaT Center For Human Genetics Tuebingen Variant Classification Criteria Version 2. Collection method: clinical testing. Allele origin: germline. Affected: yes. Observed: 21 variant alleles.
Comment: SPTLC1: BP4, BP7

NM_006415.4(SPTLC1):c.1328+798C>T

Gene: SPTLC1 (serine palmitoyltransferase long chain base subunit 1; minus strand). Cytogenetic location: 9q22.31.
Variant type: single nucleotide variant.
Coding change: c.1328+798C>T on transcript NM_006415.4 (MANE Select); 798 bases into the intron after coding-DNA position 1328, C replaced by T.
Molecular consequence: intron variant.
Genome position (GRCh38, 1-based): chr9:92,034,012, G>A on the plus strand (C>T on the coding strand, the complement: SPTLC1 is on the minus strand). VCF-style: chr9-92034012-G-A. GRCh37 (hg19) VCF-style: chr9-94796294-G-A.
Other names: c.1328+798C>T (NM_001281303.2); c.962+798C>T (NM_001368272.1); c.863+798C>T (NM_001368273.1).
Identifiers: ClinVar variation 2659302 (VCV002659302.24), dbSNP rs148980038, ClinGen allele CA195377861.